The following is an entry in ClinVar:

ClinVar aggregate classification (germline): Conflicting classifications of pathogenicity. Review status: criteria provided, conflicting classifications (1 of 4 stars). 2 submissions from 2 submitters: Uncertain significance (1); Likely benign (1). Last evaluated 2026-01-09.

Allele frequency attached by ClinVar (database versions not stated): TOPMed 0.00002; ExAC 0.00003; gnomAD exomes 0.00003; gnomAD 0.00005.
gnomAD v4.1: 56 of 1,613,982 alleles (0.0035%); highest among the groups gnomAD compares: South Asian, 0.0055%; 1 homozygote.

Submissions (2):

Labcorp Genetics (formerly Invitae), Labcorp
Classification: Uncertain significance. Last evaluated: 2026-01-09. Review status: criteria provided, single submitter. Criteria: Invitae Variant Classification Sherloc (09022015). Collection method: clinical testing. Allele origin: germline.
Comment: This sequence change falls in intron 3 of the SLC9A3R1 gene. It does not directly change the encoded amino acid sequence of the SLC9A3R1 protein. It affects a nucleotide within the consensus splice site. This variant is present in population databases (rs764753729, gnomAD 0.006%). This variant has not been reported in the literature in individuals affected with SLC9A3R1-related conditions. ClinVar contains an entry for this variant (Variation ID: 2648234). Variants that disrupt the consensus splice site are a relatively common cause of aberrant splicing (PMID: 17576681, 9536098). Algorithms developed to predict the effect of sequence changes on RNA splicing suggest that this variant is not likely to affect RNA splicing. In summary, the available evidence is currently insufficient to determine the role of this variant in disease. Therefore, it has been classified as a Variant of Uncertain Significance.

CeGaT Center for Human Genetics Tuebingen
Classification: Likely benign. Last evaluated: 2022-09-01. Review status: criteria provided, single submitter. Criteria: CeGaT Center For Human Genetics Tuebingen Variant Classification Criteria Version 2. Collection method: clinical testing. Allele origin: germline. Affected: yes. Observed: 1 variant allele.
Comment: NHERF1: BP4, BS2

Literature cited by the submitters: PubMed 17576681 (cited by Labcorp Genetics (formerly Invitae), Labcorp); PubMed 9536098 (cited by Labcorp Genetics (formerly Invitae), Labcorp).

NM_004252.5(NHERF1):c.758-3T>C

Gene: NHERF1 (NHERF family PDZ scaffold protein 1; plus strand). Cytogenetic location: 17q25.1.
Variant type: single nucleotide variant.
Coding change: c.758-3T>C on transcript NM_004252.5 (MANE Select); 3 bases into the intron before coding-DNA position 758, T replaced by C.
Molecular consequence: intron variant.
Genome position (GRCh38, 1-based): chr17:74,766,933, T>C. VCF-style: chr17-74766933-T-C. GRCh37 (hg19) VCF-style: chr17-72763072-T-C.
Identifiers: ClinVar variation 2648234 (VCV002648234.26), dbSNP rs764753729, ClinGen allele CA8750722.